The following is an entry in ClinVar:

ClinVar aggregate classification (germline): Conflicting classifications of pathogenicity. Review status: criteria provided, conflicting classifications (1 of 4 stars). 7 submissions from 7 submitters: Uncertain significance (5); Likely benign (2). Last evaluated 2025-10-20.

Conditions:
Hereditary cancer-predisposing syndrome. Also called: Tumor predisposition; Neoplastic Syndromes, Hereditary; Hereditary Cancer Syndrome; Hereditary neoplastic syndrome. Identifiers: Orphanet 140162, MedGen C0027672, MeSH D009386, MONDO:0015356.
Isolated focal cortical dysplasia type II (FCORD2). Also called: CORTICAL DYSPLASIA OF TAYLOR; Focal cortical dysplasia type II. Identifiers: Orphanet 268994, MedGen C1846385, MONDO:0011818, OMIM 607341, HP:0032051.
Tuberous sclerosis syndrome (TSC). Also called: Tuberous Sclerosis Complex; Tuberous sclerosis. Identifiers: Orphanet 805, MedGen C0041341, MONDO:0001734.
Tuberous sclerosis 2 (TSC2). Identifiers: Orphanet 805, MedGen C1860707, MONDO:0013199, OMIM 613254.

Submissions (7):

Labcorp Genetics (formerly Invitae), Labcorp
Classification: Likely benign for Tuberous sclerosis 2. Last evaluated: 2025-10-20. Review status: criteria provided, single submitter. Criteria: Invitae Variant Classification Sherloc (09022015). Collection method: clinical testing. Allele origin: germline.

Color Diagnostics, LLC DBA Color Health
Classification: Uncertain significance for Tuberous sclerosis syndrome. Last evaluated: 2025-07-24. Review status: criteria provided, single submitter. Criteria: ACMG Guidelines, 2015. Collection method: clinical testing. Allele origin: germline.
Comment: This missense variant replaces leucine with proline at codon 372 of the TSC2 protein. Computational prediction suggests that this variant may have deleterious impact on protein structure and function. To our knowledge, functional studies have not been reported for this variant. This variant has not been reported in individuals affected with TSC2-related disorders in the literature. This variant has not been identified in the general population by the Genome Aggregation Database (gnomAD). The available evidence is insufficient to determine the role of this variant in disease conclusively. Therefore, this variant is classified as a Variant of Uncertain Significance.

Ambry Genetics
Classification: Uncertain significance for Hereditary cancer-predisposing syndrome. Last evaluated: 2025-05-31. Review status: criteria provided, single submitter. Criteria: Ambry Variant Classification Scheme 2023. Collection method: clinical testing. Allele origin: germline.
Comment: The p.L372P variant (also known as c.1115T>C), located in coding exon 10 of the TSC2 gene, results from a T to C substitution at nucleotide position 1115. The leucine at codon 372 is replaced by proline, an amino acid with similar properties. This amino acid position is not well conserved in available vertebrate species. In addition, this alteration is predicted to be deleterious by in silico analysis. Since supporting evidence is limited at this time, the clinical significance of this alteration remains unclear.

Quest Diagnostics Nichols Institute San Juan Capistrano
Classification: Uncertain significance. Last evaluated: 2025-01-21. Review status: criteria provided, single submitter. Criteria: Quest Diagnostics criteria. Collection method: clinical testing. Allele origin: unknown.

Baylor Genetics
Classification: Uncertain significance for Isolated focal cortical dysplasia type II. Last evaluated: 2023-09-01. Review status: criteria provided, single submitter. Criteria: ACMG Guidelines, 2015. Collection method: clinical testing. Allele origin: unknown.

GeneDx
Classification: Uncertain significance. Last evaluated: 2022-04-18. Review status: criteria provided, single submitter. Criteria: GeneDx Variant Classification Process June 2021. Collection method: clinical testing. Allele origin: germline. Affected: yes.
Comment: Not observed at significant frequency in large population cohorts (gnomAD); In silico analysis supports that this missense variant has a deleterious effect on protein structure/function; Has not been previously published as pathogenic or benign to our knowledge; This variant is associated with the following publications: (PMID: 18466115)

Genome-Nilou Lab
Classification: Likely benign for Tuberous sclerosis 2. Last evaluated: 2021-11-07. Review status: criteria provided, single submitter. Criteria: ACMG Guidelines, 2015. Collection method: clinical testing. Allele origin: germline. Affected: no.

NM_000548.5(TSC2):c.1115T>C (p.Leu372Pro)

Gene: TSC2 (TSC complex subunit 2; plus strand). Cytogenetic location: 16p13.3.
Variant type: single nucleotide variant.
Coding change: c.1115T>C on transcript NM_000548.5 (MANE Select); coding-DNA position 1115, T replaced by C.
Protein change: p.Leu372Pro; replaces leucine 372 with proline.
Molecular consequence: missense variant.
Genome position (GRCh38, 1-based): chr16:2,060,809, T>C. VCF-style: chr16-2060809-T-C. GRCh37 (hg19) VCF-style: chr16-2110810-T-C.
Other names: c.1115T>C, p.Leu372Pro (NM_001077183.3, NM_001114382.3, NM_001363528.2 and 3 more transcripts); c.1004T>C, p.Leu335Pro (NM_001318827.2); c.968T>C, p.Leu323Pro (NM_001318829.2); c.515T>C, p.Leu172Pro (NM_001318831.2); c.1148T>C, p.Leu383Pro (NM_001318832.2); short protein forms L372P, L172P, L323P, L383P, L335P.
Identifiers: ClinVar variation 405972 (VCV000405972.21), dbSNP rs1060500919, ClinGen allele CA16614653.
Genomic context (GRCh38, chr16:2,060,809, plus strand): 5'-AGCTCCAGGTGGTGGCGTGGGACATTCTGCTGAACATCATCGAACGGCTCCTTCAGCAGC[T>C]CCAGGTGGGGTGGGGGCAGGAGCTCCGGGGAGCACCGGGAACCCAGACAGGCAGGCTCGG-3'
Protein context (NP_000539.2, residues 362-382): LNIIERLLQQ[Leu372Pro]QTLDSPELRT